The following is an entry in ClinVar:

NM_021098.3(CACNA1H):c.642T>C (p.Pro214=)

Gene: CACNA1H (calcium voltage-gated channel subunit alpha1 H; plus strand). Cytogenetic location: 16p13.3.
Variant type: single nucleotide variant.
Coding change: c.642T>C on transcript NM_021098.3 (MANE Select); coding-DNA position 642, T replaced by C.
Protein change: p.Pro214=; no amino-acid change (proline 214 retained).
Molecular consequence: synonymous variant.
Genome position (GRCh38, 1-based): chr16:1,196,022, T>C. VCF-style: chr16-1196022-T-C. GRCh37 (hg19) VCF-style: chr16-1246022-T-C.
Other names: c.642T>C, p.Pro214= (NM_001005407.2).
Identifiers: ClinVar variation 2937235 (VCV002937235.3), dbSNP rs2141202949, ClinGen allele CA492887436.

ClinVar aggregate classification (germline): Uncertain significance (1 of 4 stars; one submission).

Conditions:
Idiopathic generalized epilepsy. Also called: EIG; Generalised epilepsy. Identifiers: MedGen C0270850, MONDO:0005579, OMIM 600669.
Hyperaldosteronism, familial, type IV (HALD4). Also called: FH IV; ALDOSTERONISM, PRIMARY, AND HYPERTENSION. Identifiers: Orphanet 642671, MedGen C4310756, MONDO:0014875, OMIM 617027.

Allele frequency attached by ClinVar (database versions not stated): gnomAD 0.00001; 1000 Genomes Project 30x 0.00016.

Submission:

Labcorp Genetics (formerly Invitae), Labcorp
Classification: Uncertain significance for Idiopathic generalized epilepsy; Hyperaldosteronism, familial, type IV. Last evaluated: 2023-03-29. Review status: criteria provided, single submitter. Criteria: Invitae Variant Classification Sherloc (09022015). Collection method: clinical testing. Allele origin: germline.
Comment: In summary, the available evidence is currently insufficient to determine the role of this variant in disease. Therefore, it has been classified as a Variant of Uncertain Significance. Algorithms developed to predict the effect of sequence changes on RNA splicing suggest that this variant is not likely to affect RNA splicing. This variant has not been reported in the literature in individuals affected with CACNA1H-related conditions. This variant is not present in population databases (gnomAD no frequency). This sequence change affects codon 214 of the CACNA1H mRNA. It is a 'silent' change, meaning that it does not change the encoded amino acid sequence of the CACNA1H protein. It affects a nucleotide within the consensus splice site.